The following is an entry in ClinVar:

NM_005477.3(HCN4):c.3130C>T (p.Arg1044Trp)

Gene: HCN4 (hyperpolarization activated cyclic nucleotide gated potassium channel 4; minus strand). Cytogenetic location: 15q24.1.
Variant type: single nucleotide variant.
Coding change: c.3130C>T on transcript NM_005477.3 (MANE Select); coding-DNA position 3130, C replaced by T.
Protein change: p.Arg1044Trp; replaces arginine 1044 with tryptophan.
Molecular consequence: missense variant.
Genome position (GRCh38, 1-based): chr15:73,322,963, G>A on the plus strand (C>T on the coding strand, the complement: HCN4 is on the minus strand). VCF-style: chr15-73322963-G-A. GRCh37 (hg19) VCF-style: chr15-73615304-G-A.
Other names: short protein forms R1044W.
Identifiers: ClinVar variation 580858 (VCV000580858.16), dbSNP rs553950644, ClinGen allele CA7648879.
Genomic context (GRCh38, chr15:73,322,963, plus strand): 5'-GGGGTGGTGGGGGGCTGGATGCAGGTGGCAGGAGCAAGGATCCGTGGGAGCCAGAGGCCC[G>A]GGGCGGGGCACTCGGGAAGGTTCTTGGGGGGCCTGGGCTGTGGCCAGGGGGGCTGAGACC-3'
Protein context (NP_005468.1, residues 1034-1054): PPRTFPSAPP[Arg1044Trp]ASGSHGSLLL

ClinVar aggregate classification (germline): Conflicting classifications of pathogenicity. Review status: criteria provided, conflicting classifications (1 of 4 stars). 4 submissions from 4 submitters: Uncertain significance (3); Likely benign (1). Last evaluated 2026-01-16.

Conditions:
Cardiovascular phenotype. Identifiers: MedGen CN230736.
Sick sinus syndrome 2, autosomal dominant (SSS2). Also called: ATRIAL FIBRILLATION WITH BRADYARRHYTHMIA; SICK SINUS SYNDROME 2; SICK SINUS SYNDROME 2 WITH OR WITHOUT CARDIAC NONCOMPACTION AND/OR ASCENDING AORTA DILATION; SINUS BRADYCARDIA SYNDROME, FAMILIAL, AUTOSOMAL DOMINANT; SINUS NODE DISEASE, FAMILIAL, AUTOSOMAL DOMINANT. Identifiers: Orphanet 166282, MedGen C1834144, MONDO:0008102, OMIM 163800.
Brugada syndrome 8 (BRGDA8). Identifiers: Orphanet 130, MedGen C2751083, MONDO:0013148, OMIM 613123.

Allele frequency attached by ClinVar (database versions not stated): gnomAD 0.00001; TOPMed 0.00002; gnomAD exomes 0.00006; 1000 Genomes Project 30x 0.00016; 1000 Genomes Project 0.00020; ExAC 0.00038.

Submissions (4):

Labcorp Genetics (formerly Invitae), Labcorp
Classification: Uncertain significance for Brugada syndrome 8. Last evaluated: 2026-01-16. Review status: criteria provided, single submitter. Criteria: Invitae Variant Classification Sherloc (09022015). Collection method: clinical testing. Allele origin: germline.
Comment: This sequence change replaces arginine, which is basic and polar, with tryptophan, which is neutral and slightly polar, at codon 1044 of the HCN4 protein (p.Arg1044Trp). This variant is present in population databases (rs553950644, gnomAD 0.02%). This missense change has been observed in individual(s) with sudden unexpected death in epilepsy (SUDEP) as well as in control subjects (PMID: 21615589). ClinVar contains an entry for this variant (Variation ID: 580858). Invitae Evidence Modeling of protein sequence and biophysical properties (such as structural, functional, and spatial information, amino acid conservation, physicochemical variation, residue mobility, and thermodynamic stability) indicates that this missense variant is not expected to disrupt HCN4 protein function with a negative predictive value of 95%. In summary, the available evidence is currently insufficient to determine the role of this variant in disease. Therefore, it has been classified as a Variant of Uncertain Significance.

Women's Health and Genetics/Laboratory Corporation of America, LabCorp
Classification: Likely benign. Last evaluated: 2025-12-29. Review status: criteria provided, single submitter. Criteria: LabCorp Variant Classification Summary - May 2015. Collection method: clinical testing. Allele origin: germline.
Comment: Variant summary: HCN4 c.3130C>T (p.Arg1044Trp) results in a non-conservative amino acid change in the encoded protein sequence. Algorithms developed to predict the effect of missense changes on protein structure and function are either unavailable or do not agree on the potential impact of this missense change. The variant allele was found at a frequency of 2.7e-05 in 1419844 control chromosomes, predominantly at a frequency of 0.00029 within the East Asian subpopulation in the gnomAD database. The observed variant frequency within East Asian control individuals in the gnomAD database exceeds the estimated maximal expected allele frequency for disease-causing variants in HCN4. c.3130C>T has been observed in an individual affected with sudden unexpected death in epilepsy (SUDEP) and in a stillborn fetus, however the variant was also found in control subjects (e.g. Tu_2011, Sahlin_2019). These report(s) do not provide unequivocal conclusions about association of the variant with Sick Sinus Syndrome 2. To our knowledge, no experimental evidence demonstrating an impact on protein function has been reported. The following publications have been ascertained in the context of this evaluation (PMID: 21615589, 30615648, 33013630, 38813989, 35663267). ClinVar contains an entry for this variant (Variation ID: 580858). Based on the evidence outlined above, the variant was classified as likely benign.

Ambry Genetics
Classification: Uncertain significance for Cardiovascular phenotype. Last evaluated: 2025-01-17. Review status: criteria provided, single submitter. Criteria: Ambry Variant Classification Scheme 2023. Collection method: clinical testing. Allele origin: germline.
Comment: The p.R1044W variant (also known as c.3130C>T), located in coding exon 8 of the HCN4 gene, results from a C to T substitution at nucleotide position 3130. The arginine at codon 1044 is replaced by tryptophan, an amino acid with dissimilar properties. This amino acid position is not well conserved in available vertebrate species. In addition, the in silico prediction for this alteration is inconclusive. Based on the available evidence, the clinical significance of this variant remains unclear.

Illumina Laboratory Services, Illumina
Classification: Uncertain significance for Sick sinus syndrome 2, autosomal dominant. Last evaluated: 2018-01-15. Review status: criteria provided, single submitter. Criteria: ICSL Variant Classification Criteria 13 December 2019. Collection method: clinical testing. Allele origin: germline.

Literature cited by the submitters: PubMed 21615589 (cited by Labcorp Genetics (formerly Invitae), Labcorp and Women's Health and Genetics/Laboratory Corporation of America, LabCorp); PubMed 30615648 (cited by Women's Health and Genetics/Laboratory Corporation of America, LabCorp); PubMed 38813989 (cited by Women's Health and Genetics/Laboratory Corporation of America, LabCorp); PubMed 33013630 (cited by Women's Health and Genetics/Laboratory Corporation of America, LabCorp); PubMed 35663267 (cited by Women's Health and Genetics/Laboratory Corporation of America, LabCorp).